The following is an entry in ClinVar:

NM_001035.3(RYR2):c.11768A>G (p.Tyr3923Cys)

Gene: RYR2 (ryanodine receptor 2; plus strand). Cytogenetic location: 1q43.
Variant type: single nucleotide variant.
Coding change: c.11768A>G on transcript NM_001035.3 (MANE Select); coding-DNA position 11768, A replaced by G.
Protein change: p.Tyr3923Cys; replaces tyrosine 3923 with cysteine.
Molecular consequence: missense variant.
Genome position (GRCh38, 1-based): chr1:237,773,641, A>G. VCF-style: chr1-237773641-A-G. GRCh37 (hg19) VCF-style: chr1-237936941-A-G.
Other names: short protein forms Y3923C.
Identifiers: ClinVar variation 2105628 (VCV002105628.4), dbSNP rs2527632843, ClinGen allele CA345408044.

ClinVar aggregate classification (germline): Uncertain significance (1 of 4 stars; one submission).

Conditions:
Catecholaminergic polymorphic ventricular tachycardia 1. Also called: VENTRICULAR TACHYCARDIA, STRESS-INDUCED POLYMORPHIC 1; RYR2-Related Catecholaminergic Polymorphic Ventricular Tachycardia; VENTRICULAR TACHYCARDIA, CATECHOLAMINERGIC POLYMORPHIC, 1, WITH OR WITHOUT ATRIAL DYSFUNCTION AND/OR DILATED CARDIOMYOPATHY. Identifiers: Orphanet 3286, MedGen C1631597, MONDO:0011484, OMIM 604772.

Submission:

Labcorp Genetics (formerly Invitae), Labcorp
Classification: Uncertain significance for Catecholaminergic polymorphic ventricular tachycardia 1. Last evaluated: 2024-11-24. Review status: criteria provided, single submitter. Criteria: Invitae Variant Classification Sherloc (09022015). Collection method: clinical testing. Allele origin: germline.
Comment: This sequence change replaces tyrosine, which is neutral and polar, with cysteine, which is neutral and slightly polar, at codon 3923 of the RYR2 protein (p.Tyr3923Cys). This variant is not present in population databases (gnomAD no frequency). This variant has not been reported in the literature in individuals affected with RYR2-related conditions. ClinVar contains an entry for this variant (Variation ID: 2105628). Invitae Evidence Modeling of protein sequence and biophysical properties (such as structural, functional, and spatial information, amino acid conservation, physicochemical variation, residue mobility, and thermodynamic stability) indicates that this missense variant is expected to disrupt RYR2 protein function with a positive predictive value of 95%. In summary, the available evidence is currently insufficient to determine the role of this variant in disease. Therefore, it has been classified as a Variant of Uncertain Significance.